The following is an entry in ClinVar:

NM_021927.3(GUF1):c.1719C>G (p.Asp573Glu)

Gene: GUF1 (GTP binding elongation factor GUF1; plus strand). Cytogenetic location: 4p12.
Variant type: single nucleotide variant.
Coding change: c.1719C>G on transcript NM_021927.3 (MANE Select); coding-DNA position 1719, C replaced by G.
Protein change: p.Asp573Glu; replaces aspartic acid 573 with glutamic acid.
Molecular consequence: missense variant. On other transcripts: intron variant (1).
Genome position (GRCh38, 1-based): chr4:44,695,618, C>G. VCF-style: chr4-44695618-C-G. GRCh37 (hg19) VCF-style: chr4-44697635-C-G.
Other names: c.747C>G, p.Asp249Glu (NM_001345867.2, NM_001345869.2); c.1715+1105C>G (NM_001345868.2); short protein forms D249E, D573E.
Identifiers: ClinVar variation 1463633 (VCV001463633.6), dbSNP rs763028361, ClinGen allele CA2905744.

ClinVar aggregate classification (germline): Uncertain significance (1 of 4 stars; one submission).

Allele frequency attached by ClinVar (database versions not stated): gnomAD exomes below 0.00001; TOPMed below 0.00001; ExAC 0.00001.
gnomAD v4.1: 1 of 1,608,518 alleles (0.000062%); highest among the groups gnomAD compares: South Asian, 0.0011%; no homozygotes.

Submission:

Labcorp Genetics (formerly Invitae), Labcorp
Classification: Uncertain significance. Last evaluated: 2022-10-17. Review status: criteria provided, single submitter. Criteria: Invitae Variant Classification Sherloc (09022015). Collection method: clinical testing. Allele origin: germline.
Comment: This sequence change replaces aspartic acid, which is acidic and polar, with glutamic acid, which is acidic and polar, at codon 573 of the GUF1 protein (p.Asp573Glu). In summary, the available evidence is currently insufficient to determine the role of this variant in disease. Therefore, it has been classified as a Variant of Uncertain Significance. Algorithms developed to predict the effect of sequence changes on RNA splicing suggest that this variant may disrupt the consensus splice site. Algorithms developed to predict the effect of missense changes on protein structure and function output the following: SIFT: "Tolerated"; PolyPhen-2: "Benign"; Align-GVGD: "Class C0". The glutamic acid amino acid residue is found in multiple mammalian species, which suggests that this missense change does not adversely affect protein function. ClinVar contains an entry for this variant (Variation ID: 1463633). This variant has not been reported in the literature in individuals affected with GUF1-related conditions. This variant is present in population databases (rs763028361, gnomAD 0.003%).